The following is an entry in ClinVar:

NM_001358530.2(MOCS1):c.377G>A (p.Gly126Asp)

Gene: MOCS1 (molybdenum cofactor synthesis 1; minus strand). Cytogenetic location: 6p21.2.
Variant type: single nucleotide variant.
Coding change: c.377G>A on transcript NM_001358530.2 (MANE Select); coding-DNA position 377, G replaced by A.
Protein change: p.Gly126Asp; replaces glycine 126 with aspartic acid.
Molecular consequence: missense variant. On other transcripts: non-coding transcript variant (1).
Genome position (GRCh38, 1-based): chr6:39,925,719, C>T on the plus strand (G>A on the coding strand, the complement: MOCS1 is on the minus strand). VCF-style: chr6-39925719-C-T. GRCh37 (hg19) VCF-style: chr6-39893463-C-T.
Other names: c.377G>A, p.Gly126Asp (NM_001075098.4, NM_001358529.2, NM_005943.6); c.116G>A, p.Gly39Asp (NM_001358531.2, NM_001358533.2, NM_001358534.2); short protein forms G126D, G39D.
Identifiers: ClinVar variation 692063 (VCV000692063.43), dbSNP rs372246702, ClinGen allele CA3796323.

ClinVar aggregate classification (germline): Conflicting classifications of pathogenicity. Review status: criteria provided, conflicting classifications (1 of 4 stars). 10 submissions from 10 submitters: Pathogenic (1); Likely pathogenic (6); Uncertain significance (1). 2 of the submissions do not count toward it. Last evaluated 2026-04-22.

Conditions:
Sulfite oxidase deficiency due to molybdenum cofactor deficiency type A. Also called: Molybdenum Cofactor Deficiency A; Molybdenum cofactor deficiency, complementation group A. Identifiers: Orphanet 308386, Orphanet 833, MedGen C1854988, MONDO:0009643, OMIM 252150.
MOCS1-related disorder. Also called: MOCS1-related condition.

Allele frequency attached by ClinVar (database versions not stated): TOPMed 0.00005; gnomAD exomes 0.00006 and 0.00009; ExAC 0.00008; ESP Exome Variant Server 0.00023.

Submissions (10):

PreventionGenetics, part of Exact Sciences
Classification: Likely pathogenic for MOCS1-related condition. Last evaluated: 2026-04-22. Review status: criteria provided, single submitter. Criteria: ACMG Guidelines, 2015. Collection method: clinical testing. Allele origin: germline.
Comment: The MOCS1 c.377G>A variant is predicted to result in the amino acid substitution p.Gly126Asp. This variant has been reported in the compound heterozygous state in individuals with molybdenum cofactor deficiency type A (Reiss et al. 1998. PubMed ID: 9921896; Kingsmore et al. 2020. PubMed ID: 32014857; Spiegel et al. 2022. PubMed ID: 35192225; Hinderhofer et al. 2017. PubMed ID: 28900816; reviewed at Reiss et al. 2011. PubMed ID: 21031595). This variant has been classified as pathogenic or likely pathogenic by multiple laboratories in ClinVar (Variation ID: 692063). This variant is reported in 0.012% of alleles in individuals of Latino descent in gnomAD. This variant is interpreted as likely pathogenic.

Labcorp Genetics (formerly Invitae), Labcorp
Classification: Pathogenic for Sulfite oxidase deficiency due to molybdenum cofactor deficiency type A. Last evaluated: 2025-12-03. Review status: criteria provided, single submitter. Criteria: Invitae Variant Classification Sherloc (09022015). Collection method: clinical testing. Allele origin: germline.
Comment: This sequence change replaces glycine, which is neutral and non-polar, with aspartic acid, which is acidic and polar, at codon 126 of the MOCS1 protein (p.Gly126Asp). This variant is present in population databases (rs372246702, gnomAD 0.01%). This missense change has been observed in individuals with molybdenum cofactor deficiency (PMID: 921896, 32014857; internal data). ClinVar contains an entry for this variant (Variation ID: 692063). An algorithm developed to predict the effect of missense changes on protein structure and function (PolyPhen-2) suggests that this variant is likely to be disruptive. Studies have shown that this missense change alters MOCS1 gene expression (PMID: 31477743). For these reasons, this variant has been classified as Pathogenic.

CeGaT Center for Human Genetics Tuebingen
Classification: Likely pathogenic. Last evaluated: 2025-01-01. Review status: criteria provided, single submitter. Criteria: CeGaT Center For Human Genetics Tuebingen Variant Classification Criteria Version 2. Collection method: clinical testing. Allele origin: germline. Affected: yes. Observed: 2 variant alleles.
Comment: MOCS1: PM3:Strong, PM2, PP3

Women's Health and Genetics/Laboratory Corporation of America, LabCorp
Classification: Likely pathogenic for Sulfite oxidase deficiency due to molybdenum cofactor deficiency type A. Last evaluated: 2024-09-11. Review status: criteria provided, single submitter. Criteria: LabCorp Variant Classification Summary - May 2015. Collection method: clinical testing. Allele origin: germline.
Comment: Variant summary: MOCS1 c.377G>A (p.Gly126Asp) results in a non-conservative amino acid change located in the Elp3/MiaA/NifB-like, radical SAM core domain (IPR006638) of the encoded protein sequence. Five of five in-silico tools predict a damaging effect of the variant on protein function. The variant allele was found at a frequency of 5.6e-05 in 249850 control chromosomes. This frequency is not significantly higher than estimated for a pathogenic variant in MOCS1 causing Sulfite Oxidase Deficiency Due To Molybdenum Cofactor Deficiency Type A, allowing no conclusion about variant significance. c.377G>A has been reported in the literature in multiple compound heterozygous individuals affected with Sulfite Oxidase Deficiency Due To Molybdenum Cofactor Deficiency Type A (e.g. Grings_2019, Kingsmore_2020, Reiss_1998). These data indicate that the variant is likely to be associated with disease. To our knowledge, no experimental evidence demonstrating an impact on protein function has been reported. The following publications have been ascertained in the context of this evaluation (PMID: 31477743, 28900816, 32014857, 21031595). ClinVar contains an entry for this variant (Variation ID: 692063). Based on the evidence outlined above, the variant was classified as likely pathogenic.

Blueprint Genetics
Classification: Uncertain significance. Last evaluated: 2024-08-14. Review status: criteria provided, single submitter. Criteria: ACMG Guidelines, 2015. Collection method: clinical testing. Allele origin: germline.

Fulgent Genetics
Classification: Likely pathogenic for Sulfite oxidase deficiency due to molybdenum cofactor deficiency type A. Last evaluated: 2024-02-28. Review status: criteria provided, single submitter. Criteria: ACMG Guidelines, 2015. Collection method: clinical testing. Allele origin: germline.

Department of Pathology and Laboratory Medicine, Sinai Health System
Classification: Likely pathogenic for Sulfite oxidase deficiency due to molybdenum cofactor deficiency type A. Last evaluated: 2021-08-18. Review status: criteria provided, single submitter. Criteria: ACMG Guidelines, 2015. Collection method: research. Allele origin: germline.

Rady Children's Institute for Genomic Medicine, Rady Children's Hospital San Diego
Classification: Likely pathogenic for MOLYBDENUM COFACTOR DEFICIENCY, COMPLEMENTATION GROUP A. Last evaluated: 2018-12-31. Review status: criteria provided, single submitter. Criteria: ACMG Guidelines, 2015. Collection method: clinical testing. Allele origin: germline. Affected: yes. Observed: 1 variant allele.
Comment: This variant has been previously reported as in patients with molybdenum cofactor deficiency (PMID: 9921896). It is present in the heterozygous state in the gnomAD population database at a frequency of 0.006% (14/245472) and thus is presumed to be rare. The c.377G>A (p.Gly126Asp) variant affects a highly conserved amino acid and is predicted by multiple in silico tools to have a deleterious effect on protein function. Based on the available evidence, the c.377G>A (p.Gly126Asp) variant is classified as likely pathogenic.

Diagnostic Laboratory, Department of Genetics, University Medical Center Groningen
Classification: Pathogenic. Review status: no assertion criteria provided. Collection method: clinical testing. Allele origin: germline. Affected: yes. Study: VKGL Data-share Consensus. Not counted in ClinVar's aggregate classification.

Joint Genome Diagnostic Labs from Nijmegen and Maastricht, Radboudumc and MUMC+
Classification: Likely pathogenic. Review status: no assertion criteria provided. Collection method: clinical testing. Allele origin: germline. Affected: yes. Study: VKGL Data-share Consensus. Not counted in ClinVar's aggregate classification.

Literature cited by the submitters: PubMed 921896 (cited by Labcorp Genetics (formerly Invitae), Labcorp); PubMed 32014857 (cited by Labcorp Genetics (formerly Invitae), Labcorp and Women's Health and Genetics/Laboratory Corporation of America, LabCorp); PubMed 31477743 (cited by Labcorp Genetics (formerly Invitae), Labcorp and Women's Health and Genetics/Laboratory Corporation of America, LabCorp); PubMed 21031595 (cited by Women's Health and Genetics/Laboratory Corporation of America, LabCorp); PubMed 28900816 (cited by Women's Health and Genetics/Laboratory Corporation of America, LabCorp).